The following is an entry in ClinVar:

ClinVar aggregate classification (germline): Uncertain significance. Review status: criteria provided, multiple submitters, no conflicts (2 of 4 stars). 3 submissions from 3 submitters: Uncertain significance (3). Last evaluated 2024-11-21.

Conditions:
Glycosylphosphatidylinositol biosynthesis defect 15. Also called: DEVELOPMENTAL DELAY, EPILEPSY, CEREBELLAR ATROPHY, AND OSTEOPENIA. Identifiers: Orphanet 529665, MedGen C4540520, MONDO:0060627, OMIM 617810.

Allele frequency attached by ClinVar (database versions not stated): TOPMed below 0.00001; ExAC 0.00001; gnomAD exomes 0.00001.
gnomAD v4.1: 3 of 1,610,294 alleles (0.00019%); highest among the groups gnomAD compares: South Asian, 0.0022%; no homozygotes.

Submissions (3):

Blueprint Genetics
Classification: Uncertain significance. Last evaluated: 2024-11-21. Review status: criteria provided, single submitter. Criteria: ACMG Guidelines, 2015. Collection method: clinical testing. Allele origin: germline.

Labcorp Genetics (formerly Invitae), Labcorp
Classification: Uncertain significance. Last evaluated: 2024-10-25. Review status: criteria provided, single submitter. Criteria: Invitae Variant Classification Sherloc (09022015). Collection method: clinical testing. Allele origin: germline.
Comment: This sequence change replaces serine, which is neutral and polar, with arginine, which is basic and polar, at codon 560 of the GPAA1 protein (p.Ser560Arg). This variant is present in population databases (rs782183722, gnomAD 0.006%). This missense change has been observed in individual(s) with clinical features of congenital disorder of glycosylation (internal data). ClinVar contains an entry for this variant (Variation ID: 1435332). Invitae Evidence Modeling of protein sequence and biophysical properties (such as structural, functional, and spatial information, amino acid conservation, physicochemical variation, residue mobility, and thermodynamic stability) indicates that this missense variant is not expected to disrupt GPAA1 protein function with a negative predictive value of 80%. In summary, the available evidence is currently insufficient to determine the role of this variant in disease. Therefore, it has been classified as a Variant of Uncertain Significance.

Pittsburgh Clinical Genomics Laboratory, University of Pittsburgh Medical Center
Classification: Uncertain significance for Glycosylphosphatidylinositol biosynthesis defect 15. Last evaluated: 2023-11-08. Review status: criteria provided, single submitter. Criteria: ACMG Guidelines, 2015. Collection method: clinical testing. Allele origin: germline. Inheritance: Autosomal recessive inheritance. Affected: yes.
Comment: This sequence variant is a single nucleotide substitution (C>G) at position 1680 of the coding sequence of the GPAA1 gene that results in a serine to arginine amino acid change at residue 560 of the glycosylphosphatidylinositol anchor attachment 1 protein. This is a previously reported variant (ClinVar 1435332) that has not been observed in an individual affected by a GPAA1-related disorder in the published literature, to our knowledge. This variant is present in 3 of 624,866 alleles (0.0005%) in the gnomAD v4 population dataset. Multiple bioinformatic tools predict that this Ser to Arg amino acid change would be damaging, and the Ser560 residue at this position is highly conserved across the vertebrate species examined. Studies examining the functional consequence of this variant have not been published, to our knowledge. At this time, there is insufficient evidence to determine if this variant is pathogenic or benign. Therefore, we consider this a variant of uncertain significance. ACMG Criteria: PM2, PP3

NM_003801.4(GPAA1):c.1680C>G (p.Ser560Arg)

Gene: GPAA1 (glycosylphosphatidylinositol anchor attachment 1; plus strand). Cytogenetic location: 8q24.3.
Variant type: single nucleotide variant.
Coding change: c.1680C>G on transcript NM_003801.4 (MANE Select); coding-DNA position 1680, C replaced by G.
Protein change: p.Ser560Arg; replaces serine 560 with arginine.
Molecular consequence: missense variant.
Genome position (GRCh38, 1-based): chr8:144,085,939, C>G. VCF-style: chr8-144085939-C-G. GRCh37 (hg19) VCF-style: chr8-145140842-C-G.
Other names: short protein forms S560R.
Identifiers: ClinVar variation 1435332 (VCV001435332.10), dbSNP rs782183722, ClinGen allele CA4933232.